The following is an entry in ClinVar:

NM_003036.4(SKI):c.154G>T (p.Ala52Ser)

Gene: SKI (SKI proto-oncogene; plus strand). Cytogenetic location: 1p36.33.
Variant type: single nucleotide variant.
Coding change: c.154G>T on transcript NM_003036.4 (MANE Select); coding-DNA position 154, G replaced by T.
Protein change: p.Ala52Ser; replaces alanine 52 with serine.
Molecular consequence: missense variant.
Genome position (GRCh38, 1-based): chr1:2,228,920, G>T. VCF-style: chr1-2228920-G-T. GRCh37 (hg19) VCF-style: chr1-2160359-G-T.
Other names: short protein forms A52S.
Identifiers: ClinVar variation 1775029 (VCV001775029.2), dbSNP rs2527575930, ClinGen allele CA337952207.

ClinVar aggregate classification (germline): Uncertain significance (1 of 4 stars; one submission).

Conditions:
Familial thoracic aortic aneurysm and aortic dissection (TAAD). Also called: Thoracic aortic aneurysms and dissections. Identifiers: Orphanet 91387, MedGen C4707243, MONDO:0019625.

Submission:

Ambry Genetics
Classification: Uncertain significance for Familial thoracic aortic aneurysm and aortic dissection. Last evaluated: 2022-06-09. Review status: criteria provided, single submitter. Criteria: Ambry Variant Classification Scheme 2023. Collection method: clinical testing. Allele origin: germline.
Comment: The p.A52S variant (also known as c.154G>T), located in coding exon 1 of the SKI gene, results from a G to T substitution at nucleotide position 154. The alanine at codon 52 is replaced by serine, an amino acid with similar properties. This amino acid position is conserved. In addition, the in silico prediction for this alteration is inconclusive. Since supporting evidence is limited at this time, the clinical significance of this alteration remains unclear.